The following is an entry in ClinVar:

ClinVar aggregate classification (germline): Benign/Likely benign. Review status: criteria provided, multiple submitters, no conflicts (2 of 4 stars). 10 submissions from 10 submitters: Benign (8); Likely benign (1). 1 of the submissions does not count toward it. Last evaluated 2026-02-01.

Conditions:
Stüve-Wiedemann syndrome 1. Also called: STUVE-WIEDEMANN/SCHWARTZ-JAMPEL TYPE 2 SYNDROME. Identifiers: Orphanet 3206, MedGen C5676888, MONDO:0800043, OMIM 601559.
Connective tissue disorder. Also called: Connective tissue disease. Identifiers: MedGen C0009782, MONDO:0003900.
Stuve-Wiedemann syndrome (STWS). Also called: Stüve-Wiedemann syndrome. Identifiers: Orphanet 3206, MedGen C0796176, MONDO:0031280.

Allele frequency attached by ClinVar (database versions not stated): ESP Exome Variant Server 0.00208; gnomAD exomes 0.00333 and 0.00893; gnomAD 0.00702 and 0.00723; ExAC 0.00713; TOPMed 0.00730; 1000 Genomes Project 30x 0.00874; 1000 Genomes Project 0.00919.
gnomAD v4.1: 5,992 of 1,613,954 alleles (0.37%); highest among the groups gnomAD compares: Admixed American, 3.5%; 93 homozygotes.

Submissions (10):

Labcorp Genetics (formerly Invitae), Labcorp
Classification: Benign. Last evaluated: 2026-02-01. Review status: criteria provided, single submitter. Criteria: Invitae Variant Classification Sherloc (09022015). Collection method: clinical testing. Allele origin: germline.

Blueprint Genetics
Classification: Likely benign. Last evaluated: 2024-11-25. Review status: criteria provided, single submitter. Criteria: ACMG Guidelines, 2015. Collection method: clinical testing. Allele origin: germline.

ARUP Laboratories, Molecular Genetics and Genomics, ARUP Laboratories
Classification: Benign for Stüve-Wiedemann syndrome 1. Last evaluated: 2023-11-08. Review status: criteria provided, single submitter. Criteria: ARUP Molecular Germline Variant Investigation Process 2024. Collection method: clinical testing. Allele origin: germline.

GeneDx
Classification: Benign. Last evaluated: 2019-03-21. Review status: criteria provided, single submitter. Criteria: GeneDx Variant Classification Process June 2021. Collection method: clinical testing. Allele origin: germline. Affected: yes.

Genome Diagnostics Laboratory, The Hospital for Sick Children
Classification: Benign for Connective tissue disorder. Last evaluated: 2018-10-01. Review status: criteria provided, single submitter. Criteria: ACMG Guidelines, 2015. Collection method: clinical testing. Allele origin: germline.

Illumina Laboratory Services, Illumina
Classification: Benign for Stüve-Wiedemann syndrome 1. Last evaluated: 2018-01-13. Review status: criteria provided, single submitter. Criteria: ICSL Variant Classification Criteria 13 December 2019. Collection method: clinical testing. Allele origin: germline.
Comment: This variant was observed in the ICSL laboratory as part of a predisposition screen in an ostensibly healthy population. It had not been previously curated by ICSL or reported in the Human Gene Mutation Database (HGMD: prior to June 1st, 2018), and was therefore a candidate for classification through an automated scoring system. Utilizing variant allele frequency, disease prevalence and penetrance estimates, and inheritance mode, an automated score was calculated to assess if this variant is too frequent to cause the disease. Based on the score and internal cut-off values, a variant classified as benign is not then subjected to further curation. The score for this variant resulted in a classification of benign for this disease.

Center for Pediatric Genomic Medicine, Children's Mercy Hospital and Clinics
Classification: Benign. Last evaluated: 2017-01-05. Review status: criteria provided, single submitter. Criteria: ACMG Guidelines, 2015. Collection method: clinical testing. Allele origin: germline.

Eurofins Ntd Llc (ga)
Classification: Benign. Last evaluated: 2015-01-06. Review status: criteria provided, single submitter. Criteria: EGL Classification Definitions 2015. Collection method: clinical testing. Allele origin: germline. Observed: 1 variant allele, 1 heterozygote.

Breakthrough Genomics
Classification: Benign. Review status: criteria provided, single submitter. Criteria: ACMG Guidelines, 2015. Collection method: not provided. Allele origin: germline. Inheritance: Autosomal recessive inheritance. Affected: yes.

Natera, Inc.
Classification: Benign for Stuve-Wiedemann syndrome. Last evaluated: 2020-09-16. Review status: no assertion criteria provided. Collection method: clinical testing. Allele origin: germline. Not counted in ClinVar's aggregate classification.

NM_001127671.2(LIFR):c.1899A>G (p.Ile633Met)

Gene: LIFR (LIF receptor subunit alpha; minus strand). Cytogenetic location: 5p13.1.
Variant type: single nucleotide variant.
Coding change: c.1899A>G on transcript NM_001127671.2 (MANE Select); coding-DNA position 1899, A replaced by G.
Protein change: p.Ile633Met; replaces isoleucine 633 with methionine.
Molecular consequence: missense variant.
Genome position (GRCh38, 1-based): chr5:38,493,772, T>C on the plus strand (A>G on the coding strand, the complement: LIFR is on the minus strand). VCF-style: chr5-38493772-T-C. GRCh37 (hg19) VCF-style: chr5-38493874-T-C.
Other names: c.1899A>G, p.Ile633Met (NM_002310.6, NM_001364297.2, NM_001364298.2); short protein forms I633M.
Identifiers: ClinVar variation 194373 (VCV000194373.38), dbSNP rs2303743, ClinGen allele CA201148.